The following is an entry in ClinVar:

ClinVar aggregate classification (germline): Uncertain significance. Review status: criteria provided, multiple submitters, no conflicts (2 of 4 stars). 2 submissions from 2 submitters: Uncertain significance (2). Last evaluated 2025-08-13.

Conditions:
Familial adenomatous polyposis 1 (FAP1). Also called: POLYPOSIS, ADENOMATOUS INTESTINAL; FAMILIAL ADENOMATOUS POLYPOSIS 1, ATTENUATED. Identifiers: MedGen C2713442, MONDO:0021056, OMIM 175100. Disease mechanism: loss of function.
Hereditary cancer-predisposing syndrome. Also called: Neoplastic Syndromes, Hereditary; Tumor predisposition; Hereditary neoplastic syndrome; Hereditary Cancer Syndrome. Identifiers: Orphanet 140162, MedGen C0027672, MeSH D009386, MONDO:0015356.

Allele frequency attached by ClinVar (database versions not stated): gnomAD exomes 0.00001.

Submissions (2):

Ambry Genetics
Classification: Uncertain significance for Hereditary cancer-predisposing syndrome. Last evaluated: 2025-08-13. Review status: criteria provided, single submitter. Criteria: Ambry Variant Classification Scheme 2023. Collection method: clinical testing. Allele origin: germline.
Comment: The p.R2301I variant (also known as c.6902G>T), located in coding exon 15 of the APC gene, results from a G to T substitution at nucleotide position 6902. The arginine at codon 2301 is replaced by isoleucine, an amino acid with similar properties. This amino acid position is well conserved in available vertebrate species. In addition, in silico predictors for this gene do not accurately predict pathogenicity. Missense alterations in APC are not a common cause of disease (Spier I et al. Genet Med. 2024 Feb;26(2):100992). Based on the available evidence, the clinical significance of this variant remains unclear.

Baylor Genetics
Classification: Uncertain significance for Familial adenomatous polyposis 1. Last evaluated: 2023-11-22. Review status: criteria provided, single submitter. Criteria: ACMG Guidelines, 2015. Collection method: clinical testing. Allele origin: unknown.

NM_000038.6(APC):c.6902G>T (p.Arg2301Ile)

Gene: APC (APC regulator of Wnt signaling pathway; plus strand). Cytogenetic location: 5q22.2.
Variant type: single nucleotide variant.
Coding change: c.6902G>T on transcript NM_000038.6 (MANE Select); coding-DNA position 6902, G replaced by T.
Protein change: p.Arg2301Ile; replaces arginine 2301 with isoleucine.
Molecular consequence: missense variant. On other transcripts: non-coding transcript variant (2).
Genome position (GRCh38, 1-based): chr5:112,842,496, G>T. VCF-style: chr5-112842496-G-T. GRCh37 (hg19) VCF-style: chr5-112178193-G-T.
Other names: c.6653G>T, p.Arg2218Ile (NM_001407457.1, NM_001407454.1, NM_001407455.1 and 1 more transcripts); c.6599G>T, p.Arg2200Ile (NM_001407458.1, NM_001407459.1, NM_001407460.1 and 1 more transcripts); c.6515G>T, p.Arg2172Ile (NM_001407469.1, NM_001407467.1); c.6053G>T, p.Arg2018Ile (NM_001407470.1, NM_001354906.2); c.5750G>T, p.Arg1917Ile (NM_001407471.1, NM_001407472.1); c.6902G>T (NM_000038.5); c.6902G>T, p.Arg2301Ile (NM_001127510.3, NM_001354895.2, NM_001407450.1); c.6848G>T, p.Arg2283Ile (NM_001127511.3); and 12 more; short protein forms R1917I, R2018I, R2141I, R2172I, R2175I, R2200I, R2210I, R2218I.
Identifiers: ClinVar variation 3240243 (VCV003240243.2), dbSNP rs2149975877.
Genomic context (GRCh38, chr5:112,842,496, plus strand): 5'-AATTAAGCCCTGTTGCCAGGCAGACATCCCAAATAGGTGGGTCAAGTAAAGCACCTTCTA[G>T]ATCAGGATCTAGAGATTCGACCCCTTCAAGACCTGCCCAGCAACCATTAAGTAGACCTAT-3'
Protein context (NP_000029.2, residues 2291-2311): QIGGSSKAPS[Arg2301Ile]SGSRDSTPSR